The following is an entry in ClinVar:

ClinVar aggregate classification (germline): Likely pathogenic (1 of 4 stars; one submission).

Conditions:
Generalized epilepsy with febrile seizures plus, type 2 (GEFSP2). Also called: GEFS+, TYPE 2. Identifiers: Orphanet 36387, MedGen C1858673, MONDO:0011461, OMIM 604403.

Submission:

Neuberg Centre For Genomic Medicine, NCGM
Classification: Likely pathogenic for Generalized epilepsy with febrile seizures plus, type 2. Review status: criteria provided, single submitter. Criteria: ACMG Guidelines, 2015. Collection method: clinical testing. Allele origin: germline. Affected: yes.
Comment: The frameshift deletion NM_001165963.3 (SCN1A):c.1432_1435delAGGC (p.Arg478Serfs*11) has not been reported previously as a pathogenic variant nor as a benign variant, to our knowledge. The p.Arg478Serfs*11 variant is novel (not in any individuals) in gnomAD. The p.Arg478Serfs*11 variant is novel (not in any individuals) in 1kG. This variant is predicted to cause loss of normal protein function through protein truncation caused a frameshift mutation. The frame shifted sequence continues 11 residues until a stop codon is reached. Loss of function mutations have been reported previously to be disease causing in SCN1A (Gataullina S et al). For these reasons, this variant has been classified as Likely Pathogenic

NM_001165963.4(SCN1A):c.1432_1435del (p.Arg478fs)

Gene: SCN1A (sodium voltage-gated channel alpha subunit 1; minus strand). Cytogenetic location: 2q24.3.
Variant type: Microsatellite.
Coding change: c.1432_1435del on transcript NM_001165963.4 (MANE Select); coding-DNA positions 1432 to 1435, 4 bases deleted (AGGC; older notation c.1432_1435delAGGC).
Protein change: p.Arg478fs; shifts the reading frame from arginine 478.
Molecular consequence: frameshift variant. On other transcripts: 5 prime UTR variant (1), non-coding transcript variant (1).
Genome position (GRCh38, 1-based): chr2:166,045,270-166,045,273, GCCT deleted on the plus strand (AGGC on the coding strand, the reverse complement: SCN1A is on the minus strand); deleting any 4 consecutive bases within chr2:166,045,270-166,045,279 gives the same sequence; the c. name uses the placement nearest the transcript's 3' end. VCF-style (leftmost placement, unchanged base first): chr2-166045269-AGCCT-A. GRCh37 (hg19) VCF-style: chr2-166901779-AGCCT-A.
Other names: c.1432_1435del, p.Arg478fs (NM_001165964.3, NM_001202435.3, NM_001353948.2 and 7 more transcripts); c.1429_1432del, p.Arg477fs (NM_001353954.2, NM_001353955.2, NM_001353960.2); c.-998AGGC[1] (NM_001353961.2); short protein forms R477fs, R478fs.
Identifiers: ClinVar variation 1878630 (VCV001878630.1), dbSNP rs2468169093, ClinGen allele CA2580614396.